The following is an entry in ClinVar:

NM_020964.3(EPG5):c.379A>G (p.Asn127Asp)

Gene: EPG5 (ectopic P-granules 5 autophagy tethering factor; minus strand). Cytogenetic location: 18q21.1.
Variant type: single nucleotide variant.
Coding change: c.379A>G on transcript NM_020964.3 (MANE Select); coding-DNA position 379, A replaced by G.
Protein change: p.Asn127Asp; replaces asparagine 127 with aspartic acid.
Molecular consequence: missense variant.
Genome position (GRCh38, 1-based): chr18:45,955,023, T>C on the plus strand (A>G on the coding strand, the complement: EPG5 is on the minus strand). VCF-style: chr18-45955023-T-C. GRCh37 (hg19) VCF-style: chr18-43534989-T-C.
Other names: c.379A>G, p.Asn127Asp (NM_001410858.1, NM_001410859.1); short protein forms N127D.
Identifiers: ClinVar variation 2069584 (VCV002069584.3), dbSNP rs758174305, ClinGen allele CA8949960.
Genomic context (GRCh38, chr18:45,955,023, plus strand): 5'-CCGACATATTTTCCTCTACCTCTGTGAAGTTCTTGGGGGTTTCTACTTTAGTTCCAACAT[T>C]GTCTCCAGGGTGGACCTTTGGAGTGACTGCACTGTCCCCCACACAGGGTCTGGCCTCTCC-3'
Protein context (NP_066015.2, residues 117-137): AVTPKVHPGD[Asn127Asp]VGTKVETPKN

ClinVar aggregate classification (germline): Uncertain significance (1 of 4 stars; one submission).

Conditions:
Vici syndrome (VICIS). Identifiers: Orphanet 1493, MedGen C1855772, MONDO:0009452, OMIM 242840.

Allele frequency attached by ClinVar (database versions not stated): gnomAD exomes 0.00001; TOPMed below 0.00001; ExAC 0.00002.
gnomAD v4.1: 5 of 1,614,218 alleles (0.00031%); highest among the groups gnomAD compares: Admixed American, 0.0033%; no homozygotes.

Submission:

Labcorp Genetics (formerly Invitae), Labcorp
Classification: Uncertain significance for Vici syndrome. Last evaluated: 2024-09-23. Review status: criteria provided, single submitter. Criteria: Invitae Variant Classification Sherloc (09022015). Collection method: clinical testing. Allele origin: germline.
Comment: This sequence change replaces asparagine, which is neutral and polar, with aspartic acid, which is acidic and polar, at codon 127 of the EPG5 protein (p.Asn127Asp). This variant is present in population databases (rs758174305, gnomAD 0.003%). This variant has not been reported in the literature in individuals affected with EPG5-related conditions. ClinVar contains an entry for this variant (Variation ID: 2069584). Invitae Evidence Modeling of protein sequence and biophysical properties (such as structural, functional, and spatial information, amino acid conservation, physicochemical variation, residue mobility, and thermodynamic stability) indicates that this missense variant is not expected to disrupt EPG5 protein function with a negative predictive value of 80%. In summary, the available evidence is currently insufficient to determine the role of this variant in disease. Therefore, it has been classified as a Variant of Uncertain Significance.